The following is an entry in ClinVar:

ClinVar aggregate classification (germline): Conflicting classifications of pathogenicity. Review status: criteria provided, conflicting classifications (1 of 4 stars). 11 submissions from 11 submitters: Uncertain significance (3); Likely benign (5). 3 of the submissions do not count toward it. Last evaluated 2026-01-20.

Conditions:
Hereditary breast ovarian cancer syndrome. Also called: Breast and ovarian cancer; Hereditary breast and ovarian cancer; Hereditary breast and ovarian cancer syndrome; BRCA1- and BRCA2-Associated Hereditary Breast and Ovarian Cancer; Hereditary breast and ovarian cancer syndrome (HBOC); Hereditary breast and/or ovarian cancer syndrome. Identifiers: Orphanet 145, MedGen C0677776, MeSH D061325, MONDO:0003582. Disease mechanism: loss of function.
Breast-ovarian cancer, familial, susceptibility to, 2 (BROVCA2). Also called: BRCA2 Hereditary Breast and Ovarian Cancer. Identifiers: Orphanet 145, MedGen C2675520, MONDO:0012933, OMIM 612555. Disease mechanism: loss of function.
Hereditary cancer-predisposing syndrome. Also called: Tumor predisposition; Hereditary Cancer Syndrome; Neoplastic Syndromes, Hereditary; Hereditary neoplastic syndrome. Identifiers: Orphanet 140162, MedGen C0027672, MeSH D009386, MONDO:0015356.

Allele frequency attached by ClinVar (database versions not stated): ExAC 0.00001; gnomAD exomes 0.00001; TOPMed 0.00002.
gnomAD v4.1: 5 of 1,610,762 alleles (0.00031%); highest among the groups gnomAD compares: Non-Finnish European, 0.00042%; no homozygotes.

Submissions (11):

Labcorp Genetics (formerly Invitae), Labcorp
Classification: Likely benign for Hereditary breast ovarian cancer syndrome. Last evaluated: 2026-01-20. Review status: criteria provided, single submitter. Criteria: Invitae Variant Classification Sherloc (09022015). Collection method: clinical testing. Allele origin: germline.

Women's Health and Genetics/Laboratory Corporation of America, LabCorp
Classification: Likely benign. Last evaluated: 2025-01-20. Review status: criteria provided, single submitter. Criteria: LabCorp Variant Classification Summary - May 2015. Collection method: clinical testing. Allele origin: germline.
Comment: Variant summary: BRCA2 c.6225A>C (p.Lys2075Asn) results in a non-conservative amino acid change in the encoded protein sequence. Five of five in-silico tools predict a damaging effect of the variant on protein function. The variant was absent in 249130 control chromosomes. The available data on variant occurrences in the general population are insufficient to allow any conclusion about variant significance. c.6225A>C has been reported in the literature as a VUS in settings of multigene panel testing among individuals affected with Phyllodes tumors (PT), that are rare fibroepithelial breast neoplasms (Rosenberger_2020). These report(s) do not provide unequivocal conclusions about association of the variant with Hereditary Breast And Ovarian Cancer Syndrome. At least one publication reports experimental evidence evaluating an impact on protein function (Ikegami_2020). These results showed no damaging effect of this variant on homology directed repair (HDR capacity) based on a high throughput cell based viability assay (MANO-B method) to evaluate drug sensitivity of the BRCA2 variants treated with PARP inhibitors (olaparib, niraparib, rucaparib and carboplatin) at various concentrations. The following publications have been ascertained in the context of this evaluation (PMID: 32444794, 32504368). ClinVar contains an entry for this variant (Variation ID: 91440). Based on the evidence outlined above, the variant was classified as likely benign.

Color Diagnostics, LLC DBA Color Health
Classification: Likely benign for Hereditary cancer-predisposing syndrome. Last evaluated: 2024-03-11. Review status: criteria provided, single submitter. Criteria: ACMG Guidelines, 2015. Collection method: clinical testing. Allele origin: germline.

Quest Diagnostics Nichols Institute San Juan Capistrano
Classification: Uncertain significance. Last evaluated: 2024-02-21. Review status: criteria provided, single submitter. Criteria: Quest Diagnostics criteria. Collection method: clinical testing. Allele origin: unknown.
Comment: The BRCA2 c.6225A>C (p.Lys2075Asn) variant has been reported in the published literature in an individual with a phyllodes tumor of the breast (PMID: 32504368 (2020)) and in an elderly cancer free woman (FLOSSIES). In addition, this variant displays neutral PARP inhibitor sensitivity in a high throughput cell viability assay (MANO-B) (PMID: 32444794 (2020)). This variant has also been reported to be located in a region of the BRCA2 gene that is tolerant to missense sequence changes (PMID: 31911673 (2020)). This variant has not been reported in large, multi-ethnic general populations (Genome Aggregation Database). Analysis of this variant using bioinformatics tools for the prediction of the effect of amino acid changes on protein structure and function yielded conflicting predictions that this variant is benign or damaging. Based on the available information, we are unable to determine the clinical significance of this variant.

University of Washington Department of Laboratory Medicine, University of Washington
Classification: Likely benign for Hereditary cancer-predisposing syndrome. Last evaluated: 2023-03-23. Review status: criteria provided, single submitter. Criteria: Dines et al. (Genet Med. 2020). Collection method: curation. Allele origin: germline.
Comment: Missense variant in a coldspot region where missense variants are very unlikely to be pathogenic (PMID:31911673).

BRCA2 exon 11 coldspot. Reclassification based on statistical prior probability.

GeneDx
Classification: Uncertain significance. Last evaluated: 2020-03-03. Review status: criteria provided, single submitter. Criteria: GeneDx Variant Classification Process June 2021. Collection method: clinical testing. Allele origin: germline. Affected: yes.
Comment: Not observed in large population cohorts (Lek 2016); In silico analysis supports that this missense variant does not alter protein structure/function; Has not been previously published as pathogenic or benign to our knowledge; Also known as 6453A>C; This variant is associated with the following publications: (PMID: 31131967)

CENTOGENE GmbH and LLC - Guiding Precision Medicine
Classification: Uncertain significance for Breast-ovarian cancer, familial, susceptibility to, 2. Last evaluated: 2019-11-23. Review status: criteria provided, single submitter. Criteria: ACMG Guidelines, 2015. Collection method: clinical testing. Allele origin: germline.

Ambry Genetics
Classification: Likely benign for Hereditary cancer-predisposing syndrome. Last evaluated: 2017-11-13. Review status: criteria provided, single submitter. Criteria: Ambry Variant Classification Scheme 2023. Collection method: clinical testing. Allele origin: germline.

Counsyl
Classification: Uncertain significance for Breast-ovarian cancer, familial, susceptibility to, 2. Last evaluated: 2017-07-05. Review status: no assertion criteria provided. Collection method: clinical testing. Allele origin: unknown. Not counted in ClinVar's aggregate classification.

Sharing Clinical Reports Project (SCRP)
Classification: Likely benign for Breast-ovarian cancer, familial 2. Last evaluated: 2012-06-13. Review status: no assertion criteria provided. Collection method: clinical testing. Allele origin: germline. Not counted in ClinVar's aggregate classification.

Breast Cancer Information Core (BIC) (BRCA2)
Classification: Uncertain significance for Breast-ovarian cancer, familial 2. Last evaluated: 2004-02-20. Review status: no assertion criteria provided. Collection method: clinical testing. Allele origin: germline. Affected: yes. Observed: 1 variant allele. Not counted in ClinVar's aggregate classification.

Literature cited by the submitters: PubMed 32444794 (cited by Women's Health and Genetics/Laboratory Corporation of America, LabCorp and Quest Diagnostics Nichols Institute San Juan Capistrano); PubMed 32504368 (cited by Women's Health and Genetics/Laboratory Corporation of America, LabCorp and Quest Diagnostics Nichols Institute San Juan Capistrano); PubMed 31911673 (cited by Quest Diagnostics Nichols Institute San Juan Capistrano).

NM_000059.4(BRCA2):c.6225A>C (p.Lys2075Asn)

Gene: BRCA2 (BRCA2 DNA repair associated; plus strand). Cytogenetic location: 13q13.1.
Variant type: single nucleotide variant.
Coding change: c.6225A>C on transcript NM_000059.4 (MANE Select); coding-DNA position 6225, A replaced by C.
Protein change: p.Lys2075Asn; replaces lysine 2075 with asparagine.
Molecular consequence: missense variant.
Genome position (GRCh38, 1-based): chr13:32,340,580, A>C. VCF-style: chr13-32340580-A-C. GRCh37 (hg19) VCF-style: chr13-32914717-A-C.
Other names: 6453A>C; short protein forms K2075N.
Identifiers: ClinVar variation 91440 (VCV000091440.33), dbSNP rs80358863, ClinGen allele CA023772.